The following is an entry in ClinVar:

ClinVar aggregate classification (germline): Uncertain significance (1 of 4 stars; one submission).

Conditions:
Hyperpigmentation with or without hypopigmentation, familial progressive. Also called: MELANOSIS UNIVERSALIS HEREDITARIA; Congenital hypomelanotic and hypermelanotic macules. Identifiers: Orphanet 280628, Orphanet 79146, MedGen C1840392, MONDO:0007771, OMIM 145250.

Submission:

Laboratory of Medical Genetics, National & Kapodistrian University of Athens
Classification: Uncertain significance for Hyperpigmentation with or without hypopigmentation, familial progressive. Last evaluated: 2022-07-06. Review status: criteria provided, single submitter. Criteria: ACMG Guidelines, 2015. Collection method: clinical testing. Allele origin: germline. Affected: yes.
Comment: PM2, PP3

NM_000899.5(KITLG):c.320T>A (p.Ile107Lys)

Gene: KITLG (KIT ligand; minus strand). Cytogenetic location: 12q21.32.
Variant type: single nucleotide variant.
Coding change: c.320T>A on transcript NM_000899.5 (MANE Select); coding-DNA position 320, T replaced by A.
Protein change: p.Ile107Lys; replaces isoleucine 107 with lysine.
Molecular consequence: missense variant.
Genome position (GRCh38, 1-based): chr12:88,518,740, A>T on the plus strand (T>A on the coding strand, the complement: KITLG is on the minus strand). VCF-style: chr12-88518740-A-T. GRCh37 (hg19) VCF-style: chr12-88912517-A-T.
Other names: c.320T>A, p.Ile107Lys (NM_003994.6); short protein forms I107K.
Identifiers: ClinVar variation 1708119 (VCV001708119.1), dbSNP rs2499150143, ClinGen allele CA386122472.